The following is an entry in ClinVar:

NM_003282.4(TNNI2):c.8+16G>A

Gene: TNNI2 (troponin I2, fast skeletal type; plus strand). Cytogenetic location: 11p15.5.
Variant type: single nucleotide variant.
Coding change: c.8+16G>A on transcript NM_003282.4 (MANE Select); 16 bases into the intron after coding-DNA position 8, G replaced by A.
Molecular consequence: intron variant.
Genome position (GRCh38, 1-based): chr11:1,839,720, G>A. VCF-style: chr11-1839720-G-A. GRCh37 (hg19) VCF-style: chr11-1860950-G-A.
Other names: c.8+16G>A (NM_001145829.2).
Identifiers: ClinVar variation 511124 (VCV000511124.2), dbSNP rs113795611, ClinGen allele CA5814999.
Genomic context (GRCh38, chr11:1,839,720, plus strand): 5'-TTCCTCTCCCCACAGGCTCCAAGCTCAGGACCTCAGGATGGGAGAGTAAGTGGTACCCCT[G>A]TACCCCCATACAGTGACCCTGCCCACCTCCTGCCCTGTCCACCCCATCACACACTCCGAC-3'

ClinVar aggregate classification (germline): Likely benign. Review status: criteria provided, multiple submitters, no conflicts (2 of 4 stars). 2 submissions from 2 submitters: Likely benign (2). Last evaluated 2017-07-31.

Allele frequency attached by ClinVar (database versions not stated): ExAC 0.00002; TOPMed 0.00012; gnomAD 0.00014; 1000 Genomes Project 30x 0.00016.

Submissions (2):

GeneDx
Classification: Likely benign. Last evaluated: 2017-07-31. Review status: criteria provided, single submitter. Criteria: GeneDx Variant Classification (06012015). Collection method: clinical testing. Allele origin: germline. Affected: yes.
Comment: This variant is considered likely benign or benign based on one or more of the following criteria: it is a conservative change, it occurs at a poorly conserved position in the protein, it is predicted to be benign by multiple in silico algorithms, and/or has population frequency not consistent with disease.

Breakthrough Genomics
Classification: Likely benign. Review status: criteria provided, single submitter. Criteria: ACMG Guidelines, 2015. Collection method: not provided. Allele origin: germline. Inheritance: Autosomal dominant inheritance. Affected: yes.